The following is an entry in ClinVar:

ClinVar aggregate classification (germline): Uncertain significance. Review status: criteria provided, multiple submitters, no conflicts (2 of 4 stars). 2 submissions from 2 submitters: Uncertain significance (2). Last evaluated 2024-02-05.

Submissions (2):

Labcorp Genetics (formerly Invitae), Labcorp
Classification: Uncertain significance. Last evaluated: 2024-02-05. Review status: criteria provided, single submitter. Criteria: Invitae Variant Classification Sherloc (09022015). Collection method: clinical testing. Allele origin: germline.
Comment: This sequence change replaces serine, which is neutral and polar, with threonine, which is neutral and polar, at codon 521 of the LAMB1 protein (p.Ser521Thr). This variant also falls at the last nucleotide of exon 13, which is part of the consensus splice site for this exon. This variant is not present in population databases (gnomAD no frequency). This variant has not been reported in the literature in individuals affected with LAMB1-related conditions. ClinVar contains an entry for this variant (Variation ID: 2067243). An algorithm developed to predict the effect of missense changes on protein structure and function (PolyPhen-2) suggests that this variant is likely to be tolerated. Variants that disrupt the consensus splice site are a relatively common cause of aberrant splicing (PMID: 17576681, 9536098). Algorithms developed to predict the effect of sequence changes on RNA splicing suggest that this variant may disrupt the consensus splice site. In summary, the available evidence is currently insufficient to determine the role of this variant in disease. Therefore, it has been classified as a Variant of Uncertain Significance.

CeGaT Center for Human Genetics Tuebingen
Classification: Uncertain significance. Last evaluated: 2023-02-01. Review status: criteria provided, single submitter. Criteria: CeGaT Center For Human Genetics Tuebingen Variant Classification Criteria Version 2. Collection method: clinical testing. Allele origin: germline. Affected: yes. Observed: 1 variant allele.
Comment: LAMB1: PM2, PP3

Literature cited by the submitters: PubMed 17576681 (cited by Labcorp Genetics (formerly Invitae), Labcorp); PubMed 9536098 (cited by Labcorp Genetics (formerly Invitae), Labcorp).

NM_002291.3(LAMB1):c.1562G>C (p.Ser521Thr)

Gene: LAMB1 (laminin subunit beta 1; minus strand). Cytogenetic location: 7q31.1.
Variant type: single nucleotide variant.
Coding change: c.1562G>C on transcript NM_002291.3 (MANE Select); coding-DNA position 1562, G replaced by C.
Protein change: p.Ser521Thr; replaces serine 521 with threonine.
Molecular consequence: missense variant.
Genome position (GRCh38, 1-based): chr7:107,972,992, C>G on the plus strand (G>C on the coding strand, the complement: LAMB1 is on the minus strand). VCF-style: chr7-107972992-C-G. GRCh37 (hg19) VCF-style: chr7-107613437-C-G.
Other names: short protein forms S521T.
Identifiers: ClinVar variation 2067243 (VCV002067243.28), dbSNP rs2535480362, ClinGen allele CA368874745.